The following is an entry in ClinVar:

ClinVar aggregate classification (germline): Likely pathogenic (1 of 4 stars; one submission).

Conditions:
Intellectual developmental disorder, autosomal dominant 64. Also called: MENTAL RETARDATION, AUTOSOMAL DOMINANT 64. Identifiers: MedGen C5543067, MONDO:0030934, OMIM 619188.

Submission:

Institute of Human Genetics, University of Leipzig Medical Center
Classification: Likely pathogenic for Intellectual developmental disorder, autosomal dominant 64. Review status: criteria provided, single submitter. Criteria: ACMG Guidelines, 2015. Collection method: clinical testing. Allele origin: unknown. Inheritance: Autosomal dominant inheritance. Affected: yes.
Comment: Criteria applied: PVS1_STR,PM2

NM_015021.3(ZNF292):c.5031T>A (p.Cys1677Ter)

Gene: ZNF292 (zinc finger protein 292; plus strand). Cytogenetic location: 6q14.3.
Variant type: single nucleotide variant.
Coding change: c.5031T>A on transcript NM_015021.3 (MANE Select); coding-DNA position 5031, T replaced by A.
Protein change: p.Cys1677Ter; replaces cysteine 1677 with a stop codon.
Molecular consequence: nonsense.
Genome position (GRCh38, 1-based): chr6:87,258,660, T>A. VCF-style: chr6-87258660-T-A. GRCh37 (hg19) VCF-style: chr6-87968378-T-A.
Other names: c.4611T>A, p.Cys1537Ter (NM_001351444.2); short protein forms C1537*, C1677*.
Identifiers: ClinVar variation 4819184 (VCV004819184.1).
Genomic context (GRCh38, chr6:87,258,660, plus strand): 5'-CATAGCAAAGAGTGTTGAAATCCCAACTACTAACCTTCATTCAAATGTAATTCCAACTTG[T>A]GAACCTCAGAGTTTGGTGGAAAATCTAACACAGAAATTAAATAATGTTAACAATCAGTTA-3'